The following continues an entry in ClinVar:

NM_000535.7(PMS2):c.1379G>A (p.Gly460Asp)

Gene: PMS2. ClinVar aggregate classification (germline): Conflicting classifications of pathogenicity. Uncertain significance (11); Benign (2); Likely benign (3).

Submissions 12 to 18 of 18:

CHEO Genetics Diagnostic Laboratory, Children's Hospital of Eastern Ontario
Classification: Uncertain significance for Breast and/or ovarian cancer. Last evaluated: 2023-06-09. Review status: criteria provided, single submitter. Criteria: ACMG Guidelines, 2015. Collection method: clinical testing. Allele origin: germline.

Myriad Genetics, Inc.
Classification: Uncertain significance for Lynch syndrome 4. Last evaluated: 2023-04-04. Review status: criteria provided, single submitter. Criteria: Myriad Autosomal Dominant, Autosomal Recessive and X-Linked Classification Criteria (2023). Collection method: clinical testing. Allele origin: unknown.
Comment: This variant is classified as a variant of uncertain significance as there is insufficient evidence to determine its impact on protein function and/or cancer risk.

Sema4
Classification: Uncertain significance for Hereditary cancer-predisposing syndrome. Last evaluated: 2021-11-01. Review status: criteria provided, single submitter. Criteria: Sema4 Curation Guidelines. Collection method: curation. Allele origin: germline.
Comment: The PMS2 c.1379G>A (p.G460D) variant has been reported in at least one individual with glioblastoma multiforme (PMID: 26689913). It is reported in 2/60,466 women with breast cancer and 1/53,461 controls, suggesting that the is variant is not enriched in cases vs. controls (PMID 33471991). It was observed in 6/24966 chromosomes of the African/African American subpopulation in the large and broad cohorts of the Genome Aggregation Database. The variant has been reported in ClinVar (Variation ID 142257). In silico tools suggest the impact of the variant on protein function is inconclusive, though these predictions have not been confirmed by functional studies. The evidence is insufficient to meet ACMG/AMP criteria for classifying the variant as benign or pathogenic. Thus, the clinical significance of this variant is currently uncertain.

Laboratory for Molecular Medicine, Mass General Brigham Personalized Medicine
Classification: Uncertain significance. Last evaluated: 2018-10-16. Review status: criteria provided, single submitter. Criteria: LMM Criteria. Collection method: clinical testing. Allele origin: germline. Observed: 1 variant allele.
Comment: The p.Gly460Asp variant in PMS2 has not been reported in individuals with PMS2-a ssociated cancers, but has been reported by other clinical laboratories in ClinV ar (Variation ID: 142257). It has also been identified in 3/8728 African chromos omes by gnomAD. Computational prediction tool s and conservation analysis suggest that the p.Gly460Asp variant may not impact the protein. In summary, the clinical significance of the p.Gly460Asp variant is uncertain. ACMG/AMP Criteria applied: BP4.

Ambry Genetics
Classification: Likely benign for Hereditary cancer-predisposing syndrome. Last evaluated: 2018-06-18. Review status: criteria provided, single submitter. Criteria: Ambry Variant Classification Scheme 2023. Collection method: clinical testing. Allele origin: germline.

Counsyl
Classification: Uncertain significance for Lynch syndrome 4. Last evaluated: 2017-07-06. Review status: no assertion criteria provided. Collection method: clinical testing. Allele origin: unknown. Not counted in ClinVar's aggregate classification.

Department of Pathology and Laboratory Medicine, Sinai Health System
Classification: Likely benign for Endometrial carcinoma. Review status: no assertion criteria provided. Collection method: clinical testing. Allele origin: unknown. Affected: yes. Study: The Canadian Open Genetics Repository (COGR). Not counted in ClinVar's aggregate classification.
Comment: PMS2, EXON11, c.1379G>A, p.Gly460Asp, Predicted Benign (ACMG 4) The PMS2 c.1379G>A variant was not identified in the literature nor was it identified in the COGR, HMGD, Mut, MMR, INSiGHT Colon Cancer or Zheilang Coln Cancer databases. It is listed in the dbSNP database (id#: rs150201462) and the variant was identified by the Exome Variant Server project in 1 of 13005 European American/African American alleles (frequency: 0.00007), although this low number of observations and low frequency is not substantive enough to determine the prevalence of the variant in the general population and its relationship to disease. The p.Gly460 residue is not conserved in mammals and the variant amino acid Leu is present in mouse and chicken, increasing the likelihood that this variant does not have clinical significance. Computational analyses (PolyPhen-2, SIFT, AlignGVGD, BLOSUM, MutationTaster) do not suggest a high likelihood of impact to the protein. The p.Gly460Asp variant is not expected to have clinical significance because it does not result in a change of amino acid and is not located in a known consensus splice site. In summary, based on the above information, the clinical significance of this variant cannot be determined with certainty at this time although we would lean towards a more benign role for this variant. This variant is classified as predicted benign.

Literature cited by the submitters: PubMed 26689913 (cited by 6 submitters); PubMed 20186688 (cited by 3 submitters); PubMed 28717660 (cited by Women's Health and Genetics/Laboratory Corporation of America, LabCorp); PubMed 27379089 (cited by 3 submitters); PubMed 31742824 (cited by Women's Health and Genetics/Laboratory Corporation of America, LabCorp and Quest Diagnostics Nichols Institute San Juan Capistrano); PubMed 39334433 (cited by Women's Health and Genetics/Laboratory Corporation of America, LabCorp and Quest Diagnostics Nichols Institute San Juan Capistrano); PubMed 32321774 (cited by Women's Health and Genetics/Laboratory Corporation of America, LabCorp); PubMed 38851388 (cited by Women's Health and Genetics/Laboratory Corporation of America, LabCorp); PubMed 36746394 (cited by Women's Health and Genetics/Laboratory Corporation of America, LabCorp); PubMed 37231433 (cited by Quest Diagnostics Nichols Institute San Juan Capistrano); PubMed 33471991 (cited by Quest Diagnostics Nichols Institute San Juan Capistrano and Sema4).